The following is an entry in ClinVar:

NM_000435.3(NOTCH3):c.5286G>T (p.Val1762=)

Gene: NOTCH3 (notch receptor 3; minus strand). Cytogenetic location: 19p13.12.
Variant type: single nucleotide variant.
Coding change: c.5286G>T on transcript NM_000435.3 (MANE Select); coding-DNA position 5286, G replaced by T.
Protein change: p.Val1762=; no amino-acid change (valine 1762 retained).
Molecular consequence: synonymous variant.
Genome position (GRCh38, 1-based): chr19:15,167,325, C>A on the plus strand (G>T on the coding strand, the complement: NOTCH3 is on the minus strand). VCF-style: chr19-15167325-C-A. GRCh37 (hg19) VCF-style: chr19-15278136-C-A.
Identifiers: ClinVar variation 3030562 (VCV003030562.3), dbSNP rs370274356, ClinGen allele CA9262671.
Genomic context (GRCh38, chr19:15,167,325, plus strand): 5'-GACATCCATGCCATCAGCATCTGCGTCGCCCTGTGGTGGTGTCAGTGCCATGGCTGGTGC[C>A]ACGCGGATGTCAGCAGCAACCAGATGGTGTTGAGTCCACTGACGGCAATCCACAGCCTCC-3'
Protein context (NP_000426.2, residues 1752-1772): QHHLVAADIR[Val1762=]APAMALTPPQ

ClinVar aggregate classification (germline): Likely benign. Review status: criteria provided, single submitter (1 of 4 stars). 2 submissions from 2 submitters: Likely benign (1). 1 of the submissions does not count toward it. Last evaluated 2026-05-26.

Conditions:
NOTCH3-related disorder. Also called: NOTCH3-related condition; NOTCH3-related disorders.

Allele frequency attached by ClinVar (database versions not stated): TOPMed 0.00002; ESP Exome Variant Server 0.00008; ExAC 0.00001; gnomAD 0.00002.
gnomAD v4.1: 11 of 1,613,248 alleles (0.00068%); highest among the groups gnomAD compares: Non-Finnish European, 0.00085%; no homozygotes.

Submissions (2):

Women's Health and Genetics/Laboratory Corporation of America, LabCorp
Classification: Likely benign. Last evaluated: 2026-05-26. Review status: criteria provided, single submitter. Criteria: LabCorp Variant Classification Summary - May 2015. Collection method: clinical testing. Allele origin: germline.

PreventionGenetics, part of Exact Sciences
Classification: Likely benign for NOTCH3-related condition. Last evaluated: 2023-10-04. Review status: no assertion criteria provided. Collection method: clinical testing. Allele origin: germline. Not counted in ClinVar's aggregate classification.
Comment: This variant is classified as likely benign based on ACMG/AMP sequence variant interpretation guidelines (Richards et al. 2015 PMID: 25741868, with internal and published modifications).